The following is an entry in ClinVar:

NM_001195553.2(DCX):c.-22-336T>G

Gene: DCX (doublecortin; minus strand). Cytogenetic location: Xq23.
Variant type: single nucleotide variant.
Coding change: c.-22-336T>G on transcript NM_001195553.2 (MANE Select); 336 bases into the intron before 22 bases upstream of the start codon, T replaced by G.
Molecular consequence: intron variant. On other transcripts: missense variant (1).
Genome position (GRCh38, 1-based): chrX:111,410,756, A>C on the plus strand (T>G on the coding strand, the complement: DCX is on the minus strand). VCF-style: chrX-111410756-A-C. GRCh37 (hg19) VCF-style: chrX-110653984-A-C.
Other names: c.219T>G, p.Cys73Trp (NM_000555.3); c.-22-336T>G (NM_001369373.1, NM_178153.3, NM_001369372.1 and 6 more transcripts); short protein forms C73W.
Identifiers: ClinVar variation 2576733 (VCV002576733.1), dbSNP rs1928644737, ClinGen allele CA414247418.

ClinVar aggregate classification (germline): Uncertain significance (1 of 4 stars; one submission).

Submission:

GeneDx
Classification: Uncertain significance. Last evaluated: 2023-02-17. Review status: criteria provided, single submitter. Criteria: GeneDx Variant Classification Process June 2021. Collection method: clinical testing. Allele origin: germline. Affected: yes.
Comment: Not observed at significant frequency in large population cohorts (gnomAD); In silico analysis supports that this variant does not alter splicing; Has not been previously published as pathogenic or benign to our knowledge; Reported using an alternate transcript of the gene